The following is an entry in ClinVar:

ClinVar aggregate classification (germline): Uncertain significance (1 of 4 stars; one submission).

Conditions:
Inborn genetic diseases. Identifiers: MedGen C0950123, MeSH D030342.

Allele frequency attached by ClinVar (database versions not stated): gnomAD exomes 0.00001; TOPMed 0.00001; ExAC 0.00003.
gnomAD v4.1: 6 of 1,572,640 alleles (0.00038%); highest among the groups gnomAD compares: East Asian, 0.014%; no homozygotes.

Submission:

Ambry Genetics
Classification: Uncertain significance for Inborn genetic diseases. Last evaluated: 2023-12-11. Review status: criteria provided, single submitter. Criteria: Ambry Variant Classification Scheme 2023. Collection method: clinical testing. Allele origin: germline.
Comment: The c.553-5T>C intronic alteration consists of a T to C substitution 5 nucleotides before coding exon 7 in the NUP107 gene. Based on insufficient or conflicting evidence, the clinical significance of this alteration remains unclear.

NM_020401.4(NUP107):c.553-5T>C

Gene: NUP107 (nucleoporin 107; plus strand). Cytogenetic location: 12q15.
Variant type: single nucleotide variant.
Coding change: c.553-5T>C on transcript NM_020401.4 (MANE Select); 5 bases into the intron before coding-DNA position 553, T replaced by C.
Molecular consequence: intron variant.
Genome position (GRCh38, 1-based): chr12:68,700,721, T>C. VCF-style: chr12-68700721-T-C. GRCh37 (hg19) VCF-style: chr12-69094501-T-C.
Other names: c.466-5T>C (NM_001330192.2).
Identifiers: ClinVar variation 3202944 (VCV003202944.1), dbSNP rs780338152, ClinGen allele CA6677488.
Genomic context (GRCh38, chr12:68,700,721, plus strand): 5'-ACAAACTTATCAGTGACTCAAAATTGTAGAAAATTAACCTCTTTACATCTGTGTTTTTTA[T>C]TCAGGTGAATATACTGAGTAAAATAGTGAGTCGAGCAACACCTGGACTTCAAAAATTTTC-3'